The following is an entry in ClinVar:

NM_014991.6(WDFY3):c.3459C>T (p.Ser1153=)

Gene: WDFY3 (WD repeat and FYVE domain containing 3; minus strand). Cytogenetic location: 4q21.23.
Variant type: single nucleotide variant.
Coding change: c.3459C>T on transcript NM_014991.6 (MANE Select); coding-DNA position 3459, C replaced by T.
Protein change: p.Ser1153=; no amino-acid change (serine 1153 retained).
Molecular consequence: synonymous variant.
Genome position (GRCh38, 1-based): chr4:84,794,547, G>A on the plus strand (C>T on the coding strand, the complement: WDFY3 is on the minus strand). VCF-style: chr4-84794547-G-A. GRCh37 (hg19) VCF-style: chr4-85715700-G-A.
Identifiers: ClinVar variation 4534255 (VCV004534255.6).
Genomic context (GRCh38, chr4:84,794,547, plus strand): 5'-ATCAAAAGAAGAAAACAAAAAAAAATACTGACCATAATTTTGGAGGAGTTCCTCTTTGGT[G>A]GAAACAATCAGAGATCGGTCTTTTGCTGATAGAACTATTGCAAGGCACACGTAATGTTGC-3'
Protein context (NP_055806.2, residues 1143-1163): LSAKDRSLIV[Ser1153=]TKEELLQNYV

ClinVar aggregate classification (germline): Likely benign (1 of 4 stars; one submission).

gnomAD v4.1: 4 of 1,613,906 alleles (0.00025%); highest among the groups gnomAD compares: East Asian, 0.0022%; no homozygotes.

Submission:

CeGaT Center for Human Genetics Tuebingen
Classification: Likely benign. Last evaluated: 2025-10-01. Review status: criteria provided, single submitter. Criteria: CeGaT Center For Human Genetics Tuebingen Variant Classification Criteria Version 2. Collection method: clinical testing. Allele origin: germline. Affected: yes. Observed: 1 variant allele.
Comment: WDFY3: BP4, BP7